The following is an entry in ClinVar:

ClinVar aggregate classification (germline): Pathogenic (1 of 4 stars; one submission).

Conditions:
Neurofibromatosis, type 1 (NF1). Also called: Peripheral type neurofibromatosis; NEUROFIBROMATOSIS, TYPE I, SOMATIC; VON RECKLINGHAUSEN DISEASE; Neurofibromatosis, type I. Identifiers: Orphanet 636, MedGen C0027831, MONDO:0018975, OMIM 162200. Disease mechanism: loss of function.

Submission:

Labcorp Genetics (formerly Invitae), Labcorp
Classification: Pathogenic for Neurofibromatosis, type 1. Last evaluated: 2023-07-19. Review status: criteria provided, single submitter. Criteria: Invitae Variant Classification Sherloc (09022015). Collection method: clinical testing. Allele origin: germline.
Comment: For these reasons, this variant has been classified as Pathogenic. This sequence change creates a premature translational stop signal (p.Val1741Alafs*3) in the NF1 gene. It is expected to result in an absent or disrupted protein product. Loss-of-function variants in NF1 are known to be pathogenic (PMID: 10712197, 23913538). This variant is not present in population databases (gnomAD no frequency). This variant has not been reported in the literature in individuals affected with NF1-related conditions.

Literature cited by the submitters: PubMed 10712197; PubMed 23913538.

NM_001042492.3(NF1):c.5285del (p.Val1762fs)

Gene: NF1 (neurofibromin 1; plus strand). Cytogenetic location: 17q11.2.
Variant type: Deletion.
Coding change: c.5285del on transcript NM_001042492.3 (MANE Select); coding-DNA position 5285, one base deleted (T; older notation c.5285delT).
Protein change: p.Val1762fs; shifts the reading frame from valine 1762.
Molecular consequence: frameshift variant.
Genome position (GRCh38, 1-based): chr17:31,327,515, T deleted. VCF-style (leftmost placement, unchanged base first): chr17-31327514-GT-G. GRCh37 (hg19) VCF-style: chr17-29654532-GT-G.
Other names: c.5222delT, p.Val1741Alafs (NM_000267.4); short protein forms V1762fs, V1741fs.
Identifiers: ClinVar variation 2745067 (VCV002745067.3), dbSNP rs2508705272, ClinGen allele CA2697559605.